The following is an entry in ClinVar:

ClinVar aggregate classification (germline): Uncertain significance (1 of 4 stars; one submission).
ClinVar aggregate classification (oncogenicity): Uncertain significance (1 of 4 stars; one submission).

Conditions:
Neoplasm. Also called: Neoplasms; Neoplasm (disease); tumor. Identifiers: MedGen C0027651, MeSH D009369, MONDO:0005070, HP:0002664.

Submissions (2):

GeneDx
Classification: Uncertain significance. Last evaluated: 2026-04-15. Review status: criteria provided, single submitter. Criteria: GeneDx Variant Classification Process June 2021. Collection method: clinical testing. Allele origin: germline.
Comment: Not observed at significant frequency in large population cohorts (gnomAD); In silico analysis supports that this missense variant has a deleterious effect on protein structure/function; Has not been previously published as pathogenic or benign to our knowledge

Center for Genomic Medicine, Rigshospitalet, Copenhagen University Hospital
Classification: Uncertain significance for Neoplasm. Last evaluated: 2025-03-04. Review status: criteria provided, single submitter. Criteria: ClinGen/CGC/VICC Guidelines for Oncogenicity, 2022. Collection method: clinical testing. Allele origin: somatic. Affected: yes.

NM_000875.5(IGF1R):c.928G>A (p.Gly310Ser)

Gene: IGF1R (insulin like growth factor 1 receptor; plus strand). Cytogenetic location: 15q26.3.
Variant type: single nucleotide variant.
Coding change: c.928G>A on transcript NM_000875.5 (MANE Select); coding-DNA position 928, G replaced by A.
Protein change: p.Gly310Ser; replaces glycine 310 with serine.
Molecular consequence: missense variant.
Genome position (GRCh38, 1-based): chr15:98,891,612, G>A. VCF-style: chr15-98891612-G-A. GRCh37 (hg19) VCF-style: chr15-99434841-G-A.
Other names: c.928G>A, p.Gly310Ser (NM_001291858.2); c.928G>A (NM_000875.3); short protein forms G310S.
Identifiers: ClinVar variation 3258000 (VCV003258000.3).